The following is an entry in ClinVar:

NM_002539.3(ODC1):c.757G>C (p.Gly253Arg)

Gene: ODC1 (ornithine decarboxylase 1; minus strand). Cytogenetic location: 2p25.1.
Variant type: single nucleotide variant.
Coding change: c.757G>C on transcript NM_002539.3 (MANE Select); coding-DNA position 757, G replaced by C.
Protein change: p.Gly253Arg; replaces glycine 253 with arginine.
Molecular consequence: missense variant.
Genome position (GRCh38, 1-based): chr2:10,442,168, C>G on the plus strand (G>C on the coding strand, the complement: ODC1 is on the minus strand). VCF-style: chr2-10442168-C-G. GRCh37 (hg19) VCF-style: chr2-10582294-C-G.
Other names: c.757G>C (NM_001287189.1); c.370G>C, p.Gly124Arg (NM_001287188.2); c.757G>C, p.Gly253Arg (NM_001287189.2, NM_001287190.2); short protein forms G253R, G124R.
Identifiers: ClinVar variation 2359088 (VCV002359088.5), dbSNP rs150152038, ClinGen allele CA1526875.
Genomic context (GRCh38, chr2:10,442,168, plus strand): 5'-CTATGATTCTCACTCCAGAGTCTGACGGAAAGTATTTGTCCAACGCTGGGTTGATTACGC[C>G]GGTGATCTAAGAGAGTGAAACAGAAAAGAAAGAGCAGCCTTCATTGTGGGAAATTCACAT-3'
Protein context (NP_002530.1, residues 243-263): DVKLKFEEIT[Gly253Arg]VINPALDKYF

ClinVar aggregate classification (germline): Benign/Likely benign. Review status: criteria provided, multiple submitters, no conflicts (2 of 4 stars). 3 submissions from 3 submitters: Benign (1); Likely benign (1). 1 of the submissions does not count toward it. Last evaluated 2022-01-26.

Conditions:
ODC1-related disorder. Also called: ODC1-related condition.
Inborn genetic diseases. Identifiers: MedGen C0950123, MeSH D030342.
Intellectual disability. Also called: Intellectual functioning disability; intellectual disabilities; Intellectual developmental disorder. Identifiers: MedGen C3714756, MeSH D008607, MONDO:0001071, HP:0001249.

Allele frequency attached by ClinVar (database versions not stated): 1000 Genomes Project 30x 0.00016; 1000 Genomes Project 0.00020; ESP Exome Variant Server 0.00031.
gnomAD v4.1: 907 of 1,601,956 alleles (0.057%); highest among the groups gnomAD compares: Non-Finnish European, 0.074%; no homozygotes.

Submissions (3):

Ambry Genetics
Classification: Likely benign for Inborn genetic diseases. Last evaluated: 2022-01-26. Review status: criteria provided, single submitter. Criteria: Ambry Variant Classification Scheme 2023. Collection method: clinical testing. Allele origin: germline.

Cambridge Genomics Laboratory, East Genomic Laboratory Hub, NHS Genomic Medicine Service
Classification: Benign for Intellectual disability. Last evaluated: 2020-01-10. Review status: criteria provided, single submitter. Criteria: ACGS Best Practice Guidelines for Variant Classification in Rare Disease 2020. Collection method: clinical testing. Allele origin: germline. Affected: yes. Observed: 1 variant allele.

PreventionGenetics, part of Exact Sciences
Classification: Likely benign for ODC1-related condition. Last evaluated: 2022-05-06. Review status: no assertion criteria provided. Collection method: clinical testing. Allele origin: germline. Not counted in ClinVar's aggregate classification.
Comment: This variant is classified as likely benign based on ACMG/AMP sequence variant interpretation guidelines (Richards et al. 2015 PMID: 25741868, with internal and published modifications).